The following is an entry in ClinVar:

NM_018713.3(SLC30A10):c.231C>G (p.Ala77=)

Gene: SLC30A10 (solute carrier family 30 member 10; minus strand). Cytogenetic location: 1q41.
Variant type: single nucleotide variant.
Coding change: c.231C>G on transcript NM_018713.3 (MANE Select); coding-DNA position 231, C replaced by G.
Protein change: p.Ala77=; no amino-acid change (alanine 77 retained).
Molecular consequence: synonymous variant. On other transcripts: 5 prime UTR variant (1), intron variant (1).
Genome position (GRCh38, 1-based): chr1:219,928,210, G>C on the plus strand (C>G on the coding strand, the complement: SLC30A10 is on the minus strand). VCF-style: chr1-219928210-G-C. GRCh37 (hg19) VCF-style: chr1-220101552-G-C.
Other names: c.-483C>G (NM_001416005.1); c.452-1105C>G (NM_001376929.1).
Identifiers: ClinVar variation 3239204 (VCV003239204.20), dbSNP rs761765822.

ClinVar aggregate classification (germline): Likely benign. Review status: criteria provided, multiple submitters, no conflicts (2 of 4 stars). 2 submissions from 2 submitters: Likely benign (2). Last evaluated 2025-10-27.

Allele frequency attached by ClinVar (database versions not stated): gnomAD 0.00001.
gnomAD v4.1: 5 of 1,561,860 alleles (0.00032%); highest among the groups gnomAD compares: Admixed American, 0.0019%; no homozygotes.

Submissions (2):

Labcorp Genetics (formerly Invitae), Labcorp
Classification: Likely benign. Last evaluated: 2025-10-27. Review status: criteria provided, single submitter. Criteria: Invitae Variant Classification Sherloc (09022015). Collection method: clinical testing. Allele origin: germline.

CeGaT Center for Human Genetics Tuebingen
Classification: Likely benign. Last evaluated: 2024-05-01. Review status: criteria provided, single submitter. Criteria: CeGaT Center For Human Genetics Tuebingen Variant Classification Criteria Version 2. Collection method: clinical testing. Allele origin: germline. Affected: yes. Observed: 1 variant allele.
Comment: SLC30A10: BP4, BP7